The following is an entry in ClinVar:

ClinVar aggregate classification (germline): Uncertain significance (1 of 4 stars; one submission).

Submission:

CeGaT Center for Human Genetics Tuebingen
Classification: Uncertain significance. Last evaluated: 2023-08-01. Review status: criteria provided, single submitter. Criteria: CeGaT Center For Human Genetics Tuebingen Variant Classification Criteria Version 2. Collection method: clinical testing. Allele origin: germline. Affected: yes. Observed: 1 variant allele.
Comment: SMC1A: PM2, PP2, PP3

NM_006306.4(SMC1A):c.2379G>T (p.Glu793Asp)

Gene: SMC1A (structural maintenance of chromosomes 1A; minus strand). Cytogenetic location: Xp11.22.
Variant type: single nucleotide variant.
Coding change: c.2379G>T on transcript NM_006306.4 (MANE Select); coding-DNA position 2379, G replaced by T.
Protein change: p.Glu793Asp; replaces glutamic acid 793 with aspartic acid.
Molecular consequence: missense variant.
Genome position (GRCh38, 1-based): chrX:53,403,607, C>A on the plus strand (G>T on the coding strand, the complement: SMC1A is on the minus strand). VCF-style: chrX-53403607-C-A. GRCh37 (hg19) VCF-style: chrX-53430539-C-A.
Other names: c.2313G>T, p.Glu771Asp (NM_001281463.1); short protein forms E771D, E793D.
Identifiers: ClinVar variation 2579095 (VCV002579095.25), dbSNP rs2075680030, ClinGen allele CA413250989.
Genomic context (GRCh38, chrX:53,403,607, plus strand): 5'-TACCAATCCTCCCACCTACCGCTTCTTGGCGATTTCATTCTGCCGTTTCACCTTTTCTTC[C>A]TCAAACTCCCGGATGTTGCGCACACCAATCTCCCGACAAAACTCTTCAAACACCTCATCC-3'
Protein context (NP_006297.2, residues 783-803): EIGVRNIREF[Glu793Asp]EEKVKRQNEI